The following is an entry in ClinVar:

ClinVar aggregate classification (germline): Uncertain significance. Review status: criteria provided, multiple submitters, no conflicts (2 of 4 stars). 4 submissions from 4 submitters: Uncertain significance (2). 2 of the submissions do not count toward it. Last evaluated 2025-01-06.

Conditions:
Microcephaly. Also called: Microcephaly (disease). Identifiers: MedGen C4551563, MONDO:0001149, HP:0000252.
CSPP1-related disorder. Also called: CSPP1-related condition.
Joubert syndrome 21 (JBTS21). Identifiers: MedGen C3810212, MONDO:0014288, OMIM 615636.

Allele frequency attached by ClinVar (database versions not stated): TOPMed 0.00019; 1000 Genomes Project 30x 0.00031; gnomAD 0.00038 and 0.00041; 1000 Genomes Project 0.00040; gnomAD exomes 0.00053; ExAC 0.00070.
gnomAD v4.1: 557 of 1,613,576 alleles (0.035%); highest among the groups gnomAD compares: East Asian, 0.53%; 1 homozygote.

Submissions (4):

Labcorp Genetics (formerly Invitae), Labcorp
Classification: Uncertain significance for Joubert syndrome 21. Last evaluated: 2025-01-06. Review status: criteria provided, single submitter. Criteria: Invitae Variant Classification Sherloc (09022015). Collection method: clinical testing. Allele origin: germline.
Comment: This sequence change replaces proline, which is neutral and non-polar, with leucine, which is neutral and non-polar, at codon 514 of the CSPP1 protein (p.Pro514Leu). This variant is present in population databases (rs200535417, gnomAD 0.2%), and has an allele count higher than expected for a pathogenic variant. This variant has not been reported in the literature in individuals affected with CSPP1-related conditions. ClinVar contains an entry for this variant (Variation ID: 813538). An algorithm developed to predict the effect of missense changes on protein structure and function (PolyPhen-2) suggests that this variant is likely to be disruptive. In summary, the available evidence is currently insufficient to determine the role of this variant in disease. Therefore, it has been classified as a Variant of Uncertain Significance.

Blueprint Genetics
Classification: Uncertain significance. Last evaluated: 2024-08-14. Review status: criteria provided, single submitter. Criteria: ACMG Guidelines, 2015. Collection method: clinical testing. Allele origin: germline.

PreventionGenetics, part of Exact Sciences
Classification: Likely benign for CSPP1-related condition. Last evaluated: 2022-06-24. Review status: no assertion criteria provided. Collection method: clinical testing. Allele origin: germline. Not counted in ClinVar's aggregate classification.
Comment: This variant is classified as likely benign based on ACMG/AMP sequence variant interpretation guidelines (Richards et al. 2015 PMID: 25741868, with internal and published modifications).

Department of Pediatrics, Samsung Medical Center, Samsung Medical Center
Classification: Uncertain significance for Microcephaly. Review status: no assertion criteria provided. Criteria: ACMG Guidelines, 2015. Collection method: research. Allele origin: germline. Affected: yes. Not counted in ClinVar's aggregate classification.

NM_001382391.1(CSPP1):c.1556C>T (p.Pro519Leu)

Gene: CSPP1 (centrosome and spindle pole associated protein 1; plus strand). Cytogenetic location: 8q13.2.
Variant type: single nucleotide variant.
Coding change: c.1556C>T on transcript NM_001382391.1 (MANE Select); coding-DNA position 1556, C replaced by T.
Protein change: p.Pro519Leu; replaces proline 519 with leucine.
Molecular consequence: missense variant.
Genome position (GRCh38, 1-based): chr8:67,118,307, C>T. VCF-style: chr8-67118307-C-T. GRCh37 (hg19) VCF-style: chr8-68030542-C-T.
Other names: c.659C>T, p.Pro220Leu (NM_001291339.2); c.1475C>T, p.Pro492Leu (NM_001363131.2); c.1514C>T, p.Pro505Leu (NM_001363132.2); c.1433C>T, p.Pro478Leu (NM_001363133.2); c.1622C>T, p.Pro541Leu (NM_001364869.1); c.1442C>T, p.Pro481Leu (NM_001364870.1); c.1541C>T, p.Pro514Leu (NM_024790.7); short protein forms P220L, P481L, P478L, P505L, P514L, P492L, P541L, P519L.
Identifiers: ClinVar variation 813538 (VCV000813538.10), dbSNP rs200535417, ClinGen allele CA4770575.